The following is an entry in ClinVar:

NM_001611.5(ACP5):c.257del (p.Phe86fs)

Gene: ACP5 (acid phosphatase 5, tartrate resistant; minus strand). Cytogenetic location: 19p13.2.
Variant type: Deletion.
Coding change: c.257del on transcript NM_001611.5 (MANE Select); coding-DNA position 257, one base deleted (T; older notation c.257delT).
Protein change: p.Phe86fs; shifts the reading frame from phenylalanine 86.
Molecular consequence: frameshift variant.
Genome position (GRCh38, 1-based): chr19:11,577,061, A deleted on the plus strand (T on the coding strand, the reverse complement: ACP5 is on the minus strand); the first of 2 consecutive A bases (chr19:11,577,061-11,577,062); deleting either gives the same sequence. VCF-style (leftmost placement, unchanged base first): chr19-11577060-GA-G. GRCh37 (hg19) VCF-style: chr19-11687875-GA-G.
Other names: c.257del, p.Phe86fs (NM_001111034.3, NM_001111035.3, NM_001111036.3 and 1 more transcripts); short protein forms F86fs.
Identifiers: ClinVar variation 1075181 (VCV001075181.7), dbSNP rs2145092503, ClinGen allele CA2499225337.

ClinVar aggregate classification (germline): Pathogenic (1 of 4 stars; one submission).

Conditions:
Spondyloenchondrodysplasia with immune dysregulation (SPENCDI). Also called: ROIFMAN IMMUNOSKELETAL SYNDROME; SPONDYLOENCHONDRODYSPLASIA WITH OR WITHOUT IMMUNE DYSREGULATION; COMBINED IMMUNODEFICIENCY WITH AUTOIMMUNITY AND SPONDYLOMETAPHYSEAL DYSPLASIA. Identifiers: Orphanet 1855, MedGen C1842763, MONDO:0011939, OMIM 607944.

Submission:

Labcorp Genetics (formerly Invitae), Labcorp
Classification: Pathogenic for Spondyloenchondrodysplasia with immune dysregulation. Last evaluated: 2020-08-02. Review status: criteria provided, single submitter. Criteria: Invitae Variant Classification Sherloc (09022015). Collection method: clinical testing. Allele origin: germline.
Comment: For these reasons, this variant has been classified as Pathogenic. Loss-of-function variants in ACP5 are known to be pathogenic (PMID: 21217752, 21217755). This variant has not been reported in the literature in individuals with ACP5-related conditions. This variant is not present in population databases (ExAC no frequency). This sequence change creates a premature translational stop signal (p.Phe86Serfs*22) in the ACP5 gene. It is expected to result in an absent or disrupted protein product.

Literature cited by the submitters: PubMed 21217752; PubMed 21217755.